The following is an entry in ClinVar:

NM_020987.5(ANK3):c.9137C>G (p.Thr3046Ser)

Gene: ANK3 (ankyrin 3; minus strand). Cytogenetic location: 10q21.2.
Variant type: single nucleotide variant.
Coding change: c.9137C>G on transcript NM_020987.5 (MANE Select); coding-DNA position 9137, C replaced by G.
Protein change: p.Thr3046Ser; replaces threonine 3046 with serine.
Molecular consequence: missense variant. On other transcripts: intron variant (4).
Genome position (GRCh38, 1-based): chr10:60,071,744, G>C on the plus strand (C>G on the coding strand, the complement: ANK3 is on the minus strand). VCF-style: chr10-60071744-G-C. GRCh37 (hg19) VCF-style: chr10-61831502-G-C.
Other names: c.4388-3735C>G (NM_001204403.2); c.4409-3735C>G (NM_001204404.2); c.4406-3735C>G (NM_001320874.2); c.1808-3735C>G (NM_001149.4); short protein forms T3046S.
Identifiers: ClinVar variation 128383 (VCV000128383.15), dbSNP rs74153183, ClinGen allele CA151815.
Genomic context (GRCh38, chr10:60,071,744, plus strand): 5'-AATACATCACTAGAGGGAGATTCCTTTCCTGGGCTAAACTCTAAAGAATCAGGAGATTTG[G>C]TGGGGGAGGTTTCGGTTTCCTCGAGAGGTGGGCATAAACCTACATAACTCTGGTGTTTGG-3'
Protein context (NP_066267.2, residues 3036-3056): PPLEETETSP[Thr3046Ser]KSPDSLEFSP

ClinVar aggregate classification (germline): Benign. Review status: criteria provided, multiple submitters, no conflicts (2 of 4 stars). 3 submissions from 3 submitters: Benign (2). 1 of the submissions does not count toward it. Last evaluated 2026-01-27.

Allele frequency attached by ClinVar (database versions not stated): gnomAD 0.06794 and 0.06297; ESP Exome Variant Server 0.06828; ExAC 0.02108; 1000 Genomes Project 30x 0.07277; gnomAD exomes 0.00637 and 0.01764; 1000 Genomes Project 0.06869; TOPMed 0.07100.
gnomAD v4.1: 19,313 of 1,598,252 alleles (1.2%); highest among the groups gnomAD compares: African/African-American, 22%; 1,812 homozygotes.

Submissions (3):

Labcorp Genetics (formerly Invitae), Labcorp
Classification: Benign. Last evaluated: 2026-01-27. Review status: criteria provided, single submitter. Criteria: Invitae Variant Classification Sherloc (09022015). Collection method: clinical testing. Allele origin: germline.

Breakthrough Genomics
Classification: Benign. Review status: criteria provided, single submitter. Criteria: ACMG Guidelines, 2015. Collection method: not provided. Allele origin: germline. Inheritance: Autosomal recessive inheritance. Affected: yes.

Genetic Services Laboratory, University of Chicago
Classification: Likely benign for AllHighlyPenetrant. Review status: no assertion criteria provided. Collection method: clinical testing. Allele origin: germline. Inheritance: Autosomal recessive inheritance. Not counted in ClinVar's aggregate classification.
Comment: Likely benign based on allele frequency in 1000 Genomes Project or ESP global frequency and its presence in a patient with a rare or unrelated disease phenotype. NOT Sanger confirmed.